The following is an entry in ClinVar:

NM_000540.3(RYR1):c.7183C>G (p.Pro2395Ala)

Gene: RYR1 (ryanodine receptor 1; plus strand). Cytogenetic location: 19q13.2.
Variant type: single nucleotide variant.
Coding change: c.7183C>G on transcript NM_000540.3 (MANE Select); coding-DNA position 7183, C replaced by G.
Protein change: p.Pro2395Ala; replaces proline 2395 with alanine.
Molecular consequence: missense variant.
Genome position (GRCh38, 1-based): chr19:38,499,790, C>G. VCF-style: chr19-38499790-C-G. GRCh37 (hg19) VCF-style: chr19-38990430-C-G.
Other names: c.7183C>G, p.Pro2395Ala (NM_001042723.2); short protein forms P2395A.
Identifiers: ClinVar variation 5028628 (VCV005028628.1).

ClinVar aggregate classification (germline): Uncertain significance (1 of 4 stars; one submission).

Conditions:
Inborn genetic diseases. Identifiers: MedGen C0950123, MeSH D030342.

gnomAD v4.1: 1 of 1,604,346 alleles (0.000062%); highest among the groups gnomAD compares: South Asian, 0.0011%; no homozygotes.

Submission:

Ambry Genetics
Classification: Uncertain significance for Inborn genetic diseases. Last evaluated: 2026-07-06. Review status: criteria provided, single submitter. Criteria: Ambry Variant Classification Scheme 2023. Collection method: clinical testing. Allele origin: germline.
Comment: The p.P2395A variant (also known as c.7183C>G), located in coding exon 44 of the RYR1 gene, results from a C to G substitution at nucleotide position 7183. The proline at codon 2395 is replaced by alanine, an amino acid with highly similar properties. This amino acid position is conserved. In addition, the in silico prediction for this alteration is inconclusive. Based on the available evidence, the clinical significance of this variant remains unclear.